The following is an entry in ClinVar:

NM_006767.4(LZTR1):c.148del (p.Thr50fs)

Gene: LZTR1 (leucine zipper like post translational regulator 1; plus strand). Cytogenetic location: 22q11.21.
Variant type: Deletion.
Coding change: c.148del on transcript NM_006767.4 (MANE Select); coding-DNA position 148, one base deleted (A; older notation c.148delA).
Protein change: p.Thr50fs; shifts the reading frame from threonine 50.
Molecular consequence: frameshift variant.
Genome position (GRCh38, 1-based): chr22:20,982,519, A deleted; the last of 3 consecutive A bases (chr22:20,982,517-20,982,519); deleting any one gives the same sequence. VCF-style (leftmost placement, unchanged base first): chr22-20982516-GA-G. GRCh37 (hg19) VCF-style: chr22-21336805-GA-G.
Other names: short protein forms T50fs.
Identifiers: ClinVar variation 2111726 (VCV002111726.4), dbSNP rs2518607905, ClinGen allele CA2580099162.

ClinVar aggregate classification (germline): Pathogenic (1 of 4 stars; one submission).

Submission:

Labcorp Genetics (formerly Invitae), Labcorp
Classification: Pathogenic. Last evaluated: 2022-07-06. Review status: criteria provided, single submitter. Criteria: Invitae Variant Classification Sherloc (09022015). Collection method: clinical testing. Allele origin: germline.
Comment: This sequence change creates a premature translational stop signal (p.Thr50Glnfs*51) in the LZTR1 gene. It is expected to result in an absent or disrupted protein product. Loss-of-function variants in LZTR1 are known to be pathogenic (PMID: 24362817, 25335493, 25480913, 25795793, 29469822, 30442762, 30442766, 30481304, 30859559). This variant is not present in population databases (gnomAD no frequency). This variant has not been reported in the literature in individuals affected with LZTR1-related conditions. For these reasons, this variant has been classified as Pathogenic.

Literature cited by the submitters: PubMed 24362817; PubMed 25335493; PubMed 25480913; PubMed 25795793; PubMed 29469822; PubMed 30442762; PubMed 30442766; PubMed 30481304; PubMed 30859559.